The following is an entry in ClinVar:

NM_002485.5(NBN):c.1463C>T (p.Ser488Phe)

Gene: NBN (nibrin; minus strand). Cytogenetic location: 8q21.3.
Variant type: single nucleotide variant.
Coding change: c.1463C>T on transcript NM_002485.5 (MANE Select); coding-DNA position 1463, C replaced by T.
Protein change: p.Ser488Phe; replaces serine 488 with phenylalanine.
Molecular consequence: missense variant.
Genome position (GRCh38, 1-based): chr8:89,953,626, G>A on the plus strand (C>T on the coding strand, the complement: NBN is on the minus strand). VCF-style: chr8-89953626-G-A. GRCh37 (hg19) VCF-style: chr8-90965854-G-A.
Other names: c.1217C>T, p.Ser406Phe (NM_001024688.3, NM_001440379.1, NM_001440380.1); short protein forms S406F, S488F.
Identifiers: ClinVar variation 4660780 (VCV004660780.1).

ClinVar aggregate classification (germline): Uncertain significance (1 of 4 stars; one submission).

Conditions:
Hereditary cancer-predisposing syndrome. Also called: Neoplastic Syndromes, Hereditary; Tumor predisposition; Hereditary Cancer Syndrome; Hereditary neoplastic syndrome. Identifiers: Orphanet 140162, MedGen C0027672, MeSH D009386, MONDO:0015356.

Submission:

Ambry Genetics
Classification: Uncertain significance for Hereditary cancer-predisposing syndrome. Last evaluated: 2025-12-07. Review status: criteria provided, single submitter. Criteria: Ambry Variant Classification Scheme 2023. Collection method: clinical testing. Allele origin: germline.
Comment: The p.S488F variant (also known as c.1463C>T), located in coding exon 11 of the NBN gene, results from a C to T substitution at nucleotide position 1463. The serine at codon 488 is replaced by phenylalanine, an amino acid with highly dissimilar properties. This amino acid position is conserved. In addition, this alteration is predicted to be tolerated by in silico analysis. Based on the available evidence, the clinical significance of this variant remains unclear.